The following is an entry in ClinVar:

ClinVar aggregate classification (germline): Pathogenic (1 of 4 stars; one submission).

Submission:

Quest Diagnostics Nichols Institute San Juan Capistrano
Classification: Pathogenic. Last evaluated: 2024-10-10. Review status: criteria provided, single submitter. Criteria: ACMG/ClinGen CNV Guidelines, 2019. Collection method: clinical testing. Allele origin: unknown.
Comment: This 18q21.1q23 terminal loss involves at least 94 protein-coding genes and is contained within the 18q deletion syndrome region (OMIM 601808, Tassano 2016).Distal 18q deletions, both similar to and fully contained within the current interval, have been associated with various phenotypes (Cody 2014, Eudy 2010, Feenstra 2007, Kim 2015, Sun 2022, Tassano 2016, Tayebi 2022). Heterozygous loss of function variants of TSHZ1 are associated with autosomal dominant congenital aural atresia (OMIM 607842). There are no similar copy number losses of this region in the general populations of the Database of Genomic Variants. Thus, based on current medical literature and gene content, this loss is classified as pathogenic. References: Cody et al., Hum Genet. 2014 Feb;133(2):199-209. PMID: 24092497 Eudy et al., Am J Med Genet A. 2010 Apr;152A(4):1046-8. PMID: 20358626 Feenstra et al., Am J Med Genet A. 2007 Aug 15;143A(16):1858-67. PMID: 17632778 Kim et al., Ann Lab Med. 2015 Mar;35(2):272-4. PMID: 25729737 Sun et al., Orphanet J Rare Dis. 2022 Jul 27;17(1):292. PMID: 35897075 Tassano et al., Mol Cytogenet. 2016 Oct 10;9:78. PMID: 27766118 Tayebi et al., Eur J Med Genet. 2022 Jun;65(6):104514. PMID: 35487415

GRCh37/hg19 18q21.1-23(chr18:46942427-78014123)x1

Genes: ACAA2 (acetyl-CoA acyltransferase 2; minus strand), ADNP2 (ADNP homeobox 2; plus strand), ALPK2 (alpha kinase 2; minus strand), ATP8B1 (ATPase phospholipid transporting 8B1; minus strand), ATP9B (ATPase phospholipid transporting 9B; plus strand) and 104 more. Cytogenetic location: 18q21.1-23.
Variant type: copy number loss.
Change: copy number 1 (one copy instead of two) of chr18:46,942,427-78,014,123 (31.07 Mb, GRCh37 coordinates, 1-based), cytogenetic band 18q21.1-23.
Identifiers: ClinVar variation 564571 (VCV000564571.2).